The following is an entry in ClinVar:

NM_001128228.3(TPRN):c.789del (p.Ser264fs)

Gene: TPRN (taperin; minus strand). Cytogenetic location: 9q34.3.
Variant type: Deletion.
Coding change: c.789del on transcript NM_001128228.3 (MANE Select); coding-DNA position 789, one base deleted (C; older notation c.789delC).
Protein change: p.Ser264fs; shifts the reading frame from serine 264.
Molecular consequence: frameshift variant.
Genome position (GRCh38, 1-based): chr9:137,199,923, G deleted on the plus strand (C on the coding strand, the reverse complement: TPRN is on the minus strand); the first of 6 consecutive G bases (chr9:137,199,923-137,199,928); deleting any one gives the same sequence. VCF-style (leftmost placement, unchanged base first): chr9-137199922-TG-T. GRCh37 (hg19) VCF-style: chr9-140094374-TG-T.
Other names: short protein forms S264fs.
Identifiers: ClinVar variation 2831654 (VCV002831654.3), dbSNP rs2538730818, ClinGen allele CA2692798849.
Genomic context (GRCh38, chr9:137,199,922, plus strand): 5'-GCTGGCTAGGAGTGGCACTGGCAGGGGGTGAGGCTGGAGTGGCACTCGGGGTCCCGGGGC[TG>T]GGGGGCGGGTGGAGGGAGGGATCCCCCGACTCCACCTTTGGCTTCCACTGTCCCGACCCA-3'

ClinVar aggregate classification (germline): Pathogenic (1 of 4 stars; one submission).

Submission:

Labcorp Genetics (formerly Invitae), Labcorp
Classification: Pathogenic. Last evaluated: 2023-02-09. Review status: criteria provided, single submitter. Criteria: Invitae Variant Classification Sherloc (09022015). Collection method: clinical testing. Allele origin: germline.
Comment: This sequence change creates a premature translational stop signal (p.Ser264Alafs*186) in the TPRN gene. It is expected to result in an absent or disrupted protein product. Loss-of-function variants in TPRN are known to be pathogenic (PMID: 20170898, 20170899). This variant is not present in population databases (gnomAD no frequency). This variant has not been reported in the literature in individuals affected with TPRN-related conditions. For these reasons, this variant has been classified as Pathogenic.

Literature cited by the submitters: PubMed 20170898; PubMed 20170899.